The following is an entry in ClinVar:

NM_001267550.2(TTN):c.16903G>C (p.Glu5635Gln)

Genes: TTN (titin; minus strand), LOC126806431 (CDK7 strongly-dependent group 2 enhancer GRCh37_chr2:179595719-179596918; plus strand). Cytogenetic location: 2q31.2.
Variant type: single nucleotide variant.
Coding change: c.16903G>C on transcript NM_001267550.2 (MANE Select); coding-DNA position 16903, G replaced by C.
Protein change: p.Glu5635Gln; replaces glutamic acid 5635 with glutamine.
Molecular consequence: missense variant. On other transcripts: intron variant (3).
Genome position (GRCh38, 1-based): chr2:178,732,066, C>G on the plus strand (G>C on the coding strand, the complement: TTN is on the minus strand). VCF-style: chr2-178732066-C-G. GRCh37 (hg19) VCF-style: chr2-179596793-C-G.
Other names: c.15952G>C, p.Glu5318Gln (NM_001256850.1); c.13171G>C, p.Glu4391Gln (NM_133378.4); c.13282+6016G>C (NM_003319.4); c.13858+6016G>C (NM_133437.4); c.13657+6016G>C (NM_133432.3); short protein forms E4391Q, E5318Q, E5635Q.
Identifiers: ClinVar variation 3900226 (VCV003900226.1).
Genomic context (GRCh38, chr2:178,732,066, plus strand): 5'-GGAGGGGTCTGTGCCATGGGCCATAACTTTGGCAACACAAGAGGCAAAGTGAACACAAAC[C>G]TTTGACTATTACAATGCTACTGCAGTGGTCACTGCCAGCCTCATTTTGGGCCTCACACAT-3'
Protein context (NP_001254479.2, residues 5625-5645): DHCSSIVIVK[Glu5635Gln]SPYFTKEFKP

ClinVar aggregate classification (germline): Uncertain significance (1 of 4 stars; one submission).

gnomAD v4.1: 1 of 1,600,182 alleles (0.000062%); highest among the groups gnomAD compares: South Asian, 0.0011%; no homozygotes.

Submission:

GeneDx
Classification: Uncertain significance. Last evaluated: 2024-11-23. Review status: criteria provided, single submitter. Criteria: GeneDx Variant Classification Process June 2021. Collection method: clinical testing. Allele origin: germline. Affected: yes.
Comment: Not observed at significant frequency in large population cohorts (gnomAD); In silico analysis supports a deleterious effect on splicing; Has not been previously published as pathogenic or benign to our knowledge